The following is an entry in ClinVar:

ClinVar aggregate classification (germline): Conflicting classifications of pathogenicity. Review status: criteria provided, conflicting classifications (1 of 4 stars). 6 submissions from 6 submitters: Uncertain significance (1); Benign (1); Likely benign (3). 1 of the submissions does not count toward it. Last evaluated 2026-08-01.

Conditions:
KMT2D-related disorder. Also called: KMT2D-Related Disorders.
Kabuki syndrome 1 (KABUK1). Also called: KMT2D-Related Kabuki Syndrome. Identifiers: Orphanet 2322, MedGen CN030661, MONDO:0007843, OMIM 147920.
Kabuki syndrome. Also called: NIIKAWA-KUROKI SYNDROME; Kabuki make-up syndrome. Identifiers: Orphanet 2322, MedGen C0796004, MONDO:0016512.

Allele frequency attached by ClinVar (database versions not stated): gnomAD exomes 0.00003 and 0.00019; gnomAD 0.00007 and 0.00009; TOPMed 0.00008; ExAC 0.00025; 1000 Genomes Project 30x 0.00047; 1000 Genomes Project 0.00060.
gnomAD v4.1: 60 of 1,613,748 alleles (0.0037%); highest among the groups gnomAD compares: East Asian, 0.13%; no homozygotes.

Submissions (7):

CeGaT Center for Human Genetics Tuebingen
Classification: Likely benign. Last evaluated: 2026-08-01. Review status: criteria provided, single submitter. Criteria: CeGaT Center For Human Genetics Tuebingen Variant Classification Criteria Version 2. Collection method: clinical testing. Allele origin: germline. Affected: yes. Observed: 2 variant alleles.
Comment: KMT2D: BP4, BS1

Labcorp Genetics (formerly Invitae), Labcorp
Classification: Likely benign for Kabuki syndrome. Last evaluated: 2025-07-14. Review status: criteria provided, single submitter. Criteria: Invitae Variant Classification Sherloc (09022015). Collection method: clinical testing. Allele origin: germline.

Blueprint Genetics
Classification: Likely benign. Last evaluated: 2024-06-17. Review status: criteria provided, single submitter. Criteria: ACMG Guidelines, 2015. Collection method: clinical testing. Allele origin: germline.

GeneDx
Classification: Benign. Last evaluated: 2021-07-15. Review status: criteria provided, single submitter. Criteria: GeneDx Variant Classification Process June 2021. Collection method: clinical testing. Allele origin: germline. Affected: yes.

Center for Human Genetics, Inc
Classification: Uncertain significance for Kabuki syndrome 1. Last evaluated: 2016-11-01. Review status: criteria provided, single submitter. Criteria: ACMG Guidelines, 2015. Collection method: clinical testing. Allele origin: germline. Affected: yes.

PreventionGenetics, part of Exact Sciences
Classification: Likely benign for KMT2D-related condition. Last evaluated: 2019-08-08. Review status: no assertion criteria provided. Collection method: clinical testing. Allele origin: germline. Not counted in ClinVar's aggregate classification.
Comment: This variant is classified as likely benign based on ACMG/AMP sequence variant interpretation guidelines (Richards et al. 2015 PMID: 25741868, with internal and published modifications).

Dr. Peter K. Rogan Lab, Western University
No classification provided (evidence only). Condition: Gastric cancer. Review status: no classification provided. Collection method: in vitro. Allele origin: not applicable. Functional consequence: retained intron. Not counted in ClinVar's aggregate classification.

NM_003482.4(KMT2D):c.5645-3C>T

Gene: KMT2D (lysine methyltransferase 2D; minus strand). Cytogenetic location: 12q13.12.
Variant type: single nucleotide variant.
Coding change: c.5645-3C>T on transcript NM_003482.4 (MANE Select); 3 bases into the intron before coding-DNA position 5645, C replaced by T.
Molecular consequence: intron variant.
Genome position (GRCh38, 1-based): chr12:49,042,881, G>A on the plus strand (C>T on the coding strand, the complement: KMT2D is on the minus strand). VCF-style: chr12-49042881-G-A. GRCh37 (hg19) VCF-style: chr12-49436664-G-A.
Identifiers: ClinVar variation 547433 (VCV000547433.38), dbSNP rs544332856, ClinGen allele CA6547469.
Genomic context (GRCh38, chr12:49,042,881, plus strand): 5'-GAGCCCAGAACATCCTTGAAGAGCTGCTGCAGGTCCTTGGATTCCATCTTGGGCAGTTCT[G>A]TGGGGGAATGAAGGACACTGTTGAGGAAGACTGGGAAGTTCAGGTGACACCACAGGTCTA-3'